The following is an entry in ClinVar:

ClinVar aggregate classification (germline): Uncertain significance (1 of 4 stars; one submission).

Conditions:
SEMA3B-related disorder. Also called: SEMA3B-related condition.

gnomAD v4.1: 7 of 1,515,600 alleles (0.00046%); highest among the groups gnomAD compares: Admixed American, 0.014%; no homozygotes.

Submission:

PreventionGenetics, part of Exact Sciences
Classification: Uncertain significance for SEMA3B-related condition. Last evaluated: 2026-04-15. Review status: criteria provided, single submitter. Criteria: ACMG Guidelines, 2015. Collection method: clinical testing. Allele origin: germline.
Comment: The SEMA3B c.1870G>A variant is predicted to result in the amino acid substitution p.Glu624Lys. To our knowledge, this variant has not been reported in the literature. This variant is reported in 0.0088% of alleles in individuals of Latino descent in gnomAD. At this time, the clinical significance of this variant is uncertain due to the absence of conclusive functional and genetic evidence.

NM_001290060.2(SEMA3B):c.1855G>A (p.Glu619Lys)

Gene: SEMA3B (semaphorin 3B; plus strand). Cytogenetic location: 3p21.31.
Variant type: single nucleotide variant.
Coding change: c.1855G>A on transcript NM_001290060.2 (MANE Select); coding-DNA position 1855, G replaced by A.
Protein change: p.Glu619Lys; replaces glutamic acid 619 with lysine.
Molecular consequence: missense variant. On other transcripts: non-coding transcript variant (1).
Genome position (GRCh38, 1-based): chr3:50,276,311, G>A. VCF-style: chr3-50276311-G-A. GRCh37 (hg19) VCF-style: chr3-50313742-G-A.
Other names: c.1852G>A, p.Glu618Lys (NM_001005914.3); c.1870G>A, p.Glu624Lys (NM_001290061.1); c.826G>A, p.Glu276Lys (NM_001290062.2, NM_001290063.2); c.1855G>A, p.Glu619Lys (NM_004636.4); short protein forms E276K, E618K, E619K, E624K.
Identifiers: ClinVar variation 3351254 (VCV003351254.2).